The following is an entry in ClinVar:

ClinVar aggregate classification (germline): Uncertain significance (1 of 4 stars; one submission).

Conditions:
Inborn genetic diseases. Identifiers: MedGen C0950123, MeSH D030342.

gnomAD v4.1: 1 of 1,614,114 alleles (0.000062%); highest among the groups gnomAD compares: Non-Finnish European, 0.000085%; no homozygotes.

Submission:

Ambry Genetics
Classification: Uncertain significance for Inborn genetic diseases. Last evaluated: 2025-09-21. Review status: criteria provided, single submitter. Criteria: Ambry Variant Classification Scheme 2023. Collection method: clinical testing. Allele origin: germline.
Comment: The p.R1007M variant (also known as c.3020G>T), located in coding exon 13 of the BMPR2 gene, results from a G to T substitution at nucleotide position 3020. The arginine at codon 1007 is replaced by methionine, an amino acid with similar properties. This amino acid position is conserved. In addition, the in silico prediction for this alteration is inconclusive. Based on the available evidence, the clinical significance of this variant remains unclear.

NM_001204.7(BMPR2):c.3020G>T (p.Arg1007Met)

Gene: BMPR2 (bone morphogenetic protein receptor type 2; plus strand). Cytogenetic location: 2q33.2.
Variant type: single nucleotide variant.
Coding change: c.3020G>T on transcript NM_001204.7 (MANE Select); coding-DNA position 3020, G replaced by T.
Protein change: p.Arg1007Met; replaces arginine 1007 with methionine.
Molecular consequence: missense variant.
Genome position (GRCh38, 1-based): chr2:202,559,849, G>T. VCF-style: chr2-202559849-G-T. GRCh37 (hg19) VCF-style: chr2-203424572-G-T.
Other names: short protein forms R1007M.
Identifiers: ClinVar variation 4597056 (VCV004597056.1).